The following is an entry in ClinVar:

NM_001134831.2(AHI1):c.736A>T (p.Lys246Ter)

Gene: AHI1 (Abelson helper integration site 1; minus strand). Cytogenetic location: 6q23.3.
Variant type: single nucleotide variant.
Coding change: c.736A>T on transcript NM_001134831.2 (MANE Select); coding-DNA position 736, A replaced by T.
Protein change: p.Lys246Ter; replaces lysine 246 with a stop codon.
Molecular consequence: nonsense.
Genome position (GRCh38, 1-based): chr6:135,465,827, T>A on the plus strand (A>T on the coding strand, the complement: AHI1 is on the minus strand). VCF-style: chr6-135465827-T-A. GRCh37 (hg19) VCF-style: chr6-135786965-T-A.
Other names: c.736A>T (NM_017651.4); c.736A>T, p.Lys246Ter (NM_001134830.2, NM_001134832.2, NM_001350503.2 and 2 more transcripts); short protein forms K246*.
Identifiers: ClinVar variation 217542 (VCV000217542.6), dbSNP rs863225142, ClinGen allele CA279546.

ClinVar aggregate classification (germline): Pathogenic. Review status: criteria provided, multiple submitters, no conflicts (2 of 4 stars). 5 submissions from 5 submitters: Pathogenic (5). Last evaluated 2024-12-26.

Conditions:
Joubert syndrome 3 (JBTS3). Also called: AHI1-related Ciliopathy. Identifiers: Orphanet 220493, MedGen C1837713, MONDO:0012078, OMIM 608629.
Joubert syndrome and related disorders. Identifiers: Orphanet 140874, MedGen C5679612, MONDO:0015369.

Allele frequency attached by ClinVar (database versions not stated): gnomAD exomes below 0.00001 and 0.00001.
gnomAD v4.1: 2 of 1,472,982 alleles (0.00014%); highest among the groups gnomAD compares: Non-Finnish European, 0.00018%; no homozygotes.

Submissions (5):

Myriad Genetics, Inc.
Classification: Pathogenic for Joubert syndrome 3. Last evaluated: 2024-12-26. Review status: criteria provided, single submitter. Criteria: Myriad Autosomal Dominant, Autosomal Recessive and X-Linked Classification Criteria (2023). Collection method: clinical testing. Allele origin: unknown.
Comment: NM_001134831.1(AHI1):c.736A>T(K246*) is expected to be pathogenic in the context of Joubert syndrome, AHI1-related. This variant is predicted to lead to an abnormal or absent protein product due to the creation of a premature termination codon in AHI1, a gene where loss-of-function variants are known to be pathogenic. Please note: this variant was assessed in the context of healthy population screening.

Fulgent Genetics
Classification: Pathogenic for Joubert syndrome 3. Last evaluated: 2024-03-07. Review status: criteria provided, single submitter. Criteria: ACMG Guidelines, 2015. Collection method: clinical testing. Allele origin: germline.

Women's Health and Genetics/Laboratory Corporation of America, LabCorp
Classification: Pathogenic for Joubert syndrome and related disorders. Last evaluated: 2023-08-17. Review status: criteria provided, single submitter. Criteria: LabCorp Variant Classification Summary - May 2015. Collection method: clinical testing. Allele origin: germline.
Comment: Variant summary: AHI1 c.736A>T (p.Lys246X) results in a premature termination codon, predicted to cause a truncation of the encoded protein or absence of the protein due to nonsense mediated decay, which are commonly known mechanisms for disease. Variants downstream of this position have been classified as pathogenic by our laboratory. The variant allele was found at a frequency of 6.3e-06 in 159114 control chromosomes (gnomAD). c.736A>T has been reported in the literature in at-least one individual affected with Joubert Syndrome And Related Disorders (example: Fleming_2017). The following publication has been ascertained in the context of this evaluation (PMID: 29146704). Two submitters have cited clinical-significance assessments for this variant to ClinVar after 2014. All submitters classified the variant as pathogenic. Based on the evidence outlined above, the variant was classified as pathogenic.

Centre of Medical Genetics, University Hospital Muenster
Classification: Pathogenic. Last evaluated: 2021-12-20. Review status: criteria provided, single submitter. Criteria: ACMG Guidelines, 2015. Collection method: clinical testing. Allele origin: unknown. Affected: yes. Observed: 1 variant allele, 1 heterozygote.
Comment: ACMG categories: PVS1,PM2,PP5

UW Hindbrain Malformation Research Program, University of Washington
Classification: Pathogenic for Joubert syndrome 3. Last evaluated: 2015-02-23. Review status: criteria provided, single submitter. Criteria: Bachmann-Gagescu et al. (J Med Genet. 2015). Collection method: research. Allele origin: unknown. Affected: yes.

Literature cited by the submitters: PubMed 29146704 (cited by Women's Health and Genetics/Laboratory Corporation of America, LabCorp).